The following is an entry in ClinVar:

NM_001032386.2(SUOX):c.1636T>C (p.Ter546Arg)

Gene: SUOX (sulfite oxidase; plus strand). Cytogenetic location: 12q13.2.
Variant type: single nucleotide variant.
Coding change: c.1636T>C on transcript NM_001032386.2 (MANE Select); coding-DNA position 1636, T replaced by C.
Protein change: p.Ter546Arg.
Molecular consequence: stop lost.
Genome position (GRCh38, 1-based): chr12:56,005,025, T>C. VCF-style: chr12-56005025-T-C. GRCh37 (hg19) VCF-style: chr12-56398809-T-C.
Other names: c.1636T>C, p.Ter546Arg (NM_000456.3, NM_001032387.2).
Identifiers: ClinVar variation 4687169 (VCV004687169.1).
Genomic context (GRCh38, chr12:56,005,025, plus strand): 5'-TGGAACCTGCGAGGTGTTCTCAGCAATGCCTGGCATCGTGTCCATGTCTATGTCTCCCCA[T>C]GAGCATGGAAAGGAGCCACCTCCACCCCTTTCCCCACCCATTAGCCTCACTGCTTCAGAA-3'

ClinVar aggregate classification (germline): Uncertain significance (1 of 4 stars; one submission).

Submission:

Women's Health and Genetics/Laboratory Corporation of America, LabCorp
Classification: Uncertain significance. Last evaluated: 2025-10-20. Review status: criteria provided, single submitter. Criteria: LabCorp Variant Classification Summary - May 2015. Collection method: clinical testing. Allele origin: germline.
Comment: Variant summary: SUOX c.1636T>C (p.X546ArgextX14) changes the termination codon and is predicted to lead to an extended protein with additional amino acids added to the normal C-terminus. The variant was absent in 248718 control chromosomes. The available data on variant occurrences in the general population are insufficient to allow any conclusion about variant significance. To our knowledge, no occurrence of c.1636T>C in individuals affected with SUOX-related conditions and no experimental evidence demonstrating its impact on protein function have been reported. No submitters have cited clinical-significance assessments for this variant to ClinVar. Based on the evidence outlined above, the variant was classified as uncertain significance.